The following is an entry in ClinVar:

ClinVar aggregate classification (germline): Uncertain significance (1 of 4 stars; one submission).

gnomAD v4.1: 1 of 1,210,512 alleles (0.000083%); highest among the groups gnomAD compares: Non-Finnish European, 0.00011%; no homozygotes.

Submission:

GeneDx
Classification: Uncertain significance. Last evaluated: 2024-06-01. Review status: criteria provided, single submitter. Criteria: GeneDx Variant Classification Process June 2021. Collection method: clinical testing. Allele origin: germline. Affected: yes.
Comment: Not observed at significant frequency in large population cohorts (gnomAD); In silico analysis supports that this missense variant has a deleterious effect on protein structure/function; Has not been previously published as pathogenic or benign to our knowledge

NM_153252.5(BRWD3):c.1519A>G (p.Met507Val)

Gene: BRWD3 (bromodomain and WD repeat domain containing 3; minus strand). Cytogenetic location: Xq21.1.
Variant type: single nucleotide variant.
Coding change: c.1519A>G on transcript NM_153252.5 (MANE Select); coding-DNA position 1519, A replaced by G.
Protein change: p.Met507Val; replaces methionine 507 with valine.
Molecular consequence: missense variant.
Genome position (GRCh38, 1-based): chrX:80,724,935, T>C on the plus strand (A>G on the coding strand, the complement: BRWD3 is on the minus strand). VCF-style: chrX-80724935-T-C. GRCh37 (hg19) VCF-style: chrX-79980434-T-C.
Other names: short protein forms M507V.
Identifiers: ClinVar variation 3383884 (VCV003383884.1).
Genomic context (GRCh38, chrX:80,724,935, plus strand): 5'-TTATTATATGAGAGAAGTTGGTTTTAATGTGAACTAGATACAGGTAGGTGTCTCTTACCA[T>C]GTTAAAGTAATTCCGAATTTTGGTCCCCCGGTCAAGGTCCCAAATAAAAATGTTCCCATC-3'
Protein context (NP_694984.5, residues 497-517): RGTKIRNYFN[Met507Val]IEGQGHGAVF